The following is an entry in ClinVar:

NM_001365999.1(SZT2):c.2256-10C>T

Gene: SZT2 (SZT2 subunit of KICSTOR complex; plus strand). Cytogenetic location: 1p34.2.
Variant type: single nucleotide variant.
Coding change: c.2256-10C>T on transcript NM_001365999.1 (MANE Select); 10 bases into the intron before coding-DNA position 2256, C replaced by T.
Molecular consequence: intron variant.
Genome position (GRCh38, 1-based): chr1:43,424,207, C>T. VCF-style: chr1-43424207-C-T. GRCh37 (hg19) VCF-style: chr1-43889878-C-T.
Other names: c.2256-10C>T (NM_015284.4).
Identifiers: ClinVar variation 695710 (VCV000695710.18), dbSNP rs747740233, ClinGen allele CA808658.

ClinVar aggregate classification (germline): Likely benign. Review status: criteria provided, multiple submitters, no conflicts (2 of 4 stars). 5 submissions from 5 submitters: Likely benign (4). 1 of the submissions does not count toward it. Last evaluated 2025-09-08.

Conditions:
SZT2-related disorder. Also called: SZT2-related condition.
Developmental and epileptic encephalopathy, 18 (DEE18). Also called: Early infantile epileptic encephalopathy 18. Identifiers: Orphanet 369894, MedGen C3809624, MONDO:0014201, OMIM 615476.

Allele frequency attached by ClinVar (database versions not stated): TOPMed 0.00003; ExAC 0.00005; gnomAD exomes 0.00005; gnomAD 0.00007.
gnomAD v4.1: 85 of 1,595,456 alleles (0.0053%); highest among the groups gnomAD compares: Non-Finnish European, 0.0066%; no homozygotes.

Submissions (5):

Labcorp Genetics (formerly Invitae), Labcorp
Classification: Likely benign. Last evaluated: 2025-09-08. Review status: criteria provided, single submitter. Criteria: Invitae Variant Classification Sherloc (09022015). Collection method: clinical testing. Allele origin: germline.

Blueprint Genetics
Classification: Likely benign. Last evaluated: 2024-11-18. Review status: criteria provided, single submitter. Criteria: ACMG Guidelines, 2015. Collection method: clinical testing. Allele origin: germline.

Genome-Nilou Lab
Classification: Likely benign for Developmental and epileptic encephalopathy, 18. Last evaluated: 2023-04-11. Review status: criteria provided, single submitter. Criteria: ACMG Guidelines, 2015. Collection method: clinical testing. Allele origin: germline. Affected: no.

GeneDx
Classification: Likely benign. Last evaluated: 2019-01-29. Review status: criteria provided, single submitter. Criteria: GeneDx Variant Classification Process June 2021. Collection method: clinical testing. Allele origin: germline. Affected: yes.

PreventionGenetics, part of Exact Sciences
Classification: Likely benign for SZT2-related condition. Last evaluated: 2023-11-07. Review status: no assertion criteria provided. Collection method: clinical testing. Allele origin: germline. Not counted in ClinVar's aggregate classification.
Comment: This variant is classified as likely benign based on ACMG/AMP sequence variant interpretation guidelines (Richards et al. 2015 PMID: 25741868, with internal and published modifications).